The following is an entry in ClinVar:

NM_000458.4(HNF1B):c.698G>A (p.Arg233His)

Genes: HNF1B (HNF1 homeobox B; minus strand), LOC126862549 (BRD4-independent group 4 enhancer GRCh37_chr17:36093401-36094600; plus strand). Cytogenetic location: 17q12.
Variant type: single nucleotide variant.
Coding change: c.698G>A on transcript NM_000458.4 (MANE Select); coding-DNA position 698, G replaced by A.
Protein change: p.Arg233His; replaces arginine 233 with histidine.
Molecular consequence: missense variant.
Genome position (GRCh38, 1-based): chr17:37,733,668, C>T on the plus strand (G>A on the coding strand, the complement: HNF1B is on the minus strand). VCF-style: chr17-37733668-C-T. GRCh37 (hg19) VCF-style: chr17-36093661-C-T.
Other names: c.620G>A, p.Arg207His (NM_001165923.4, NM_001304286.2); short protein forms R233H, R207H.
Identifiers: ClinVar variation 635665 (VCV000635665.1), dbSNP rs867882536, ClinGen allele CA290283583.

ClinVar aggregate classification (germline): Likely pathogenic (1 of 4 stars; one submission).

Conditions:
Renal cysts and diabetes syndrome (RCAD). Also called: Familial hypoplastic, glomerulocystic kidney; MATURITY-ONSET DIABETES OF THE YOUNG, TYPE 5. Identifiers: Orphanet 93111, MedGen C0431693, MONDO:0007669, OMIM 137920.

Allele frequency attached by ClinVar (database versions not stated): gnomAD exomes below 0.00001.
gnomAD v4.1: 1 of 1,614,118 alleles (0.000062%); highest among the groups gnomAD compares: South Asian, 0.0011%; no homozygotes.

Submission:

Institute of Human Genetics, FAU Erlangen, Friedrich-Alexander-Universität Erlangen-Nürnberg
Classification: Likely pathogenic for Renal cysts and diabetes syndrome. Last evaluated: 2019-07-06. Review status: criteria provided, single submitter. Criteria: ACMG Guidelines, 2015. Collection method: literature only. Allele origin: germline. Affected: yes.
Comment: This variant and it's classification has been reported by Vasileiou et al. 2019; DOI:10.1101/576918. The variants has previously been reported in PMID:25700310; PMID:22432796; PMID:25536396 as "c.698G>A; c.698G>A" with clinical significance Pathogenic. It has been re-classified using InterVar and manual curation as Likely pathogenic based on PM1 PM2 PP3 PP5.

Literature cited by the submitters: PubMed 25700310; PubMed 22432796; PubMed 25536396; DOI 10.1101/576918.